The following is an entry in ClinVar:

NM_001854.4(COL11A1):c.2603G>A (p.Gly868Asp)

Gene: COL11A1 (collagen type XI alpha 1 chain; minus strand). Cytogenetic location: 1p21.1.
Variant type: single nucleotide variant.
Coding change: c.2603G>A on transcript NM_001854.4 (MANE Select); coding-DNA position 2603, G replaced by A.
Protein change: p.Gly868Asp; replaces glycine 868 with aspartic acid.
Molecular consequence: missense variant. On other transcripts: non-coding transcript variant (1).
Genome position (GRCh38, 1-based): chr1:102,979,389, C>T on the plus strand (G>A on the coding strand, the complement: COL11A1 is on the minus strand). VCF-style: chr1-102979389-C-T. GRCh37 (hg19) VCF-style: chr1-103444945-C-T.
Other names: c.2486G>A, p.Gly829Asp (NM_001190709.2); c.2639G>A, p.Gly880Asp (NM_080629.3); c.2255G>A, p.Gly752Asp (NM_080630.4); short protein forms G868D, G829D, G752D, G880D.
Identifiers: ClinVar variation 1455971 (VCV001455971.8), dbSNP rs2101683875, ClinGen allele CA341163923.
Genomic context (GRCh38, chr1:102,979,389, plus strand): 5'-GTCCAGCTAAGAACACTTATATACATAGTTCAAAACATATTTATATATCATACCCGTGCA[C>T]CTTTCTCTCCATTGGCACCTGGAAACCCAGGGAATCCAGTGGAACCCTACAATAATAAAA-3'
Protein context (NP_001845.3, residues 858-878): PGFPGANGEK[Gly868Asp]ARGVAGKPGP

ClinVar aggregate classification (germline): Pathogenic (1 of 4 stars; one submission).

Submission:

Labcorp Genetics (formerly Invitae), Labcorp
Classification: Pathogenic. Last evaluated: 2021-04-06. Review status: criteria provided, single submitter. Criteria: Invitae Variant Classification Sherloc (09022015). Collection method: clinical testing. Allele origin: germline.
Comment: For these reasons, this variant has been classified as Pathogenic. Advanced modeling of protein sequence and biophysical properties (such as structural, functional, and spatial information, amino acid conservation, physicochemical variation, residue mobility, and thermodynamic stability) performed at Invitae indicates that this missense variant is expected to disrupt COL11A1 protein function. This variant has been observed in individual(s) with clinical features of Stickler syndrome (Invitae). In at least one individual the variant was observed to be de novo. This variant is not present in population databases (ExAC no frequency). This sequence change replaces glycine with aspartic acid at codon 868 of the COL11A1 protein (p.Gly868Asp). The glycine residue is highly conserved and there is a moderate physicochemical difference between glycine and aspartic acid.